The following is an entry in ClinVar:

ClinVar aggregate classification (germline): Benign/Likely benign. Review status: criteria provided, multiple submitters, no conflicts (2 of 4 stars). 6 submissions from 6 submitters: Benign (3); Likely benign (3). Last evaluated 2026-02-04.

Conditions:
Autosomal recessive limb-girdle muscular dystrophy type 2N. Also called: MUSCULAR DYSTROPHY-DYSTROGLYCANOPATHY, LIMB-GIRDLE, POMT2-RELATED; Muscular dystrophy-dystroglycanopathy (limb-girdle), type C, 2. Identifiers: Orphanet 206559, MedGen C3150418, MONDO:0013162, OMIM 613158.
Muscular dystrophy-dystroglycanopathy (congenital with brain and eye anomalies), type A2. Also called: MUSCULAR DYSTROPHY-DYSTROGLYCANOPATHY (CONGENITAL WITH BRAIN AND EYE ANOMALIES), TYPE A, 2; WALKER-WARBURG SYNDROME OR MUSCLE-EYE-BRAIN DISEASE, POMT2-RELATED. Identifiers: Orphanet 588, Orphanet 899, MedGen C3150411, MONDO:0013154, OMIM 613150.
Muscular dystrophy-dystroglycanopathy (congenital with impaired intellectual development), type B, 2. Also called: MUSCULAR DYSTROPHY, CONGENITAL, POMT2-RELATED; Muscular dystrophy-dystroglycanopathy (congenital with intellectual disability), type B2. Identifiers: MedGen C3150416, MONDO:0013160, OMIM 613156.

Allele frequency attached by ClinVar (database versions not stated): 1000 Genomes Project 30x 0.00344; 1000 Genomes Project 0.00359; gnomAD 0.00459 and 0.00496; TOPMed 0.00523; ESP Exome Variant Server 0.00630.
gnomAD v4.1: 1,354 of 1,610,284 alleles (0.084%); highest among the groups gnomAD compares: African/African-American, 1.6%; 6 homozygotes.

Submissions (6):

Labcorp Genetics (formerly Invitae), Labcorp
Classification: Benign for Muscular dystrophy-dystroglycanopathy (congenital with impaired intellectual development), type B, 2; Muscular dystrophy-dystroglycanopathy (congenital with brain and eye anomalies), type A2; Autosomal recessive limb-girdle muscular dystrophy type 2N. Last evaluated: 2026-02-04. Review status: criteria provided, single submitter. Criteria: Invitae Variant Classification Sherloc (09022015). Collection method: clinical testing. Allele origin: germline.

Athena Diagnostics
Classification: Benign. Last evaluated: 2024-01-30. Review status: criteria provided, single submitter. Criteria: Athena Diagnostics Criteria. Collection method: clinical testing. Allele origin: unknown.

GeneDx
Classification: Likely benign. Last evaluated: 2020-11-18. Review status: criteria provided, single submitter. Criteria: GeneDx Variant Classification Process June 2021. Collection method: clinical testing. Allele origin: germline. Affected: yes.

Illumina Laboratory Services, Illumina
Classification: Likely benign for Autosomal recessive limb-girdle muscular dystrophy type 2N. Last evaluated: 2018-01-13. Review status: criteria provided, single submitter. Criteria: ICSL Variant Classification Criteria 13 December 2019. Collection method: clinical testing. Allele origin: germline.
Comment: This variant was observed in the ICSL laboratory as part of a predisposition screen in an ostensibly healthy population. It had not been previously curated by ICSL or reported in the Human Gene Mutation Database (HGMD: prior to June 1st, 2018), and was therefore a candidate for classification through an automated scoring system. Utilizing variant allele frequency, disease prevalence and penetrance estimates, and inheritance mode, an automated score was calculated to assess if this variant is too frequent to cause the disease. Based on the score and internal cut-off values, a variant classified as likely benign is not then subjected to further curation. The score for this variant resulted in a classification of likely benign for this disease.

Eurofins Ntd Llc (ga)
Classification: Benign. Last evaluated: 2015-02-12. Review status: criteria provided, single submitter. Criteria: EGL Classification Definitions 2015. Collection method: clinical testing. Allele origin: germline. Observed: 2 variant alleles, 2 heterozygotes.

Breakthrough Genomics
Classification: Likely benign. Review status: criteria provided, single submitter. Criteria: ACMG Guidelines, 2015. Collection method: not provided. Allele origin: germline. Inheritance: Autosomal recessive inheritance. Affected: yes.

NM_013382.7(POMT2):c.652G>A (p.Asp218Asn)

Gene: POMT2 (protein O-mannosyltransferase 2; minus strand). Cytogenetic location: 14q24.3.
Variant type: single nucleotide variant.
Coding change: c.652G>A on transcript NM_013382.7 (MANE Select); coding-DNA position 652, G replaced by A.
Protein change: p.Asp218Asn; replaces aspartic acid 218 with asparagine.
Molecular consequence: missense variant.
Genome position (GRCh38, 1-based): chr14:77,302,839, C>T on the plus strand (G>A on the coding strand, the complement: POMT2 is on the minus strand). VCF-style: chr14-77302839-C-T. GRCh37 (hg19) VCF-style: chr14-77769182-C-T.
Other names: short protein forms D218N.
Identifiers: ClinVar variation 197795 (VCV000197795.23), dbSNP rs140785104, ClinGen allele CA203092.